The following continues an entry in ClinVar:

NM_000059.4(BRCA2):c.5836T>C (p.Ser1946Pro)

Gene: BRCA2. ClinVar aggregate classification (germline): Conflicting classifications of pathogenicity. Uncertain significance (7); Likely benign (2).

Submissions 8 to 12 of 12:

Ambry Genetics
Classification: Likely benign for Hereditary cancer-predisposing syndrome. Last evaluated: 2018-06-13. Review status: criteria provided, single submitter. Criteria: Ambry Variant Classification Scheme 2023. Collection method: clinical testing. Allele origin: germline.

GeneDx
Classification: Uncertain significance. Last evaluated: 2018-02-05. Review status: criteria provided, single submitter. Criteria: GeneDx Variant Classification (06012015). Collection method: clinical testing. Allele origin: germline. Affected: yes.
Comment: This variant is denoted BRCA2 c.5836T>C at the cDNA level, p.Ser1946Pro (S1946P) at the protein level, and results in the change of a Serine to a Proline (TCA>CCA). BRCA2 Ser1946Pro was not observed at a significant allele frequency in large population cohorts (Lek 2016). This variant is located in the RAD51 binding domain (Roy 2012). In silico analysis, which includes protein predictors and evolutionary conservation, supports that this variant does not alter protein structure/function. Based on currently available evidence, it is unclear whether BRCA2 Ser1946Pro is a pathogenic or benign variant. We consider it to be a variant of uncertain significance.

Breast Cancer Information Core (BIC) (BRCA2)
Classification: Uncertain significance for Breast-ovarian cancer, familial 2. Review status: no assertion criteria provided. Collection method: clinical testing. Allele origin: germline. Affected: yes. Observed: 1 variant allele. Not counted in ClinVar's aggregate classification.

Center for Precision Medicine, Meizhou People's Hospital
Classification: Uncertain significance for Familial cancer of breast. Review status: no assertion criteria provided. Collection method: literature only. Allele origin: germline. Affected: yes. Not counted in ClinVar's aggregate classification.

Department of Pathology and Laboratory Medicine, Sinai Health System
Classification: Uncertain significance for Breast-ovarian cancer, familial, susceptibility to, 2. Review status: no assertion criteria provided. Collection method: clinical testing. Allele origin: unknown. Affected: yes. Observed: 2 variant alleles. Study: The Canadian Open Genetics Repository (COGR). Not counted in ClinVar's aggregate classification.
Comment: The BRCA2 p.Ser1946Pro variant was identified in 3 of 2172 proband chromosomes (frequency: 0.001) from Chinese and Taiwanese individuals or families with breast disease (benign and cancerous) and ovarian cancer, and was not identified in 638 control chromosomes from healthy individuals (Suter 2004, Chao 2016). The variant was found in 2 sisters with ovarian cancer, who had a history of familial malignancies (pancreatic and colon cancer) but segregation studies were not done (Chao 2016); Suter (2004) identified the variant in an individual with benign breast disease. The variant was also identified in dbSNP (ID: rs80358811) â€šÃ„ÃºWith Uncertain significance alleleâ€šÃ„Ã¹, ClinVar (classified as uncertain significance (2016); submitters: Invitae, Ambry Genetics, GeneDx, BIC, and Laboratory Corporation of America), Clinvitae (4x), LOVD 3.0 (1x), UMD-LSDB (2x as 3-UV), and BIC Database (1x, clinical importance unknown, classification pending) and was not identified in GeneInsight â€šÃ„Ã¬ COGR (unavailable), Cosmic, ARUP Laboratories, and Zhejiang Colon Cancer Database. The variant was identified in control databases in 8 of 276890 chromosomes at a frequency of 0.00003 increasing the likelihood that this may be a low frequency benign variant in certain populations of origin (Genome Aggregation Consortium Feb 27, 2017), being identified in the following populations: African in 2 of 24018 chromosomes (frequency: 0.00008) and East Asian in 6 of 18868 chromosomes (frequency: 0.0003). The p.Ser1946 residue is not conserved in mammals and four out of five computational analyses (PolyPhen-2, SIFT, AlignGVGD, BLOSUM, MutationTaster) do not suggest a high likelihood of impact to the protein; however, this information is not predictive enough to rule out pathogenicity. The variant occurs outside of the splicing consensus sequence and in silico or computational prediction software programs (SpliceSiteFinder, MaxEntScan, NNSPLICE, GeneSplicer, HumanSpliceFinder) do not predict a difference in splicing. In summary, based on the above information the clinical significance of this variant cannot be determined with certainty at this time. This variant is classified as a variant of uncertain significance.

Literature cited by the submitters: PubMed 27062684 (cited by 5 submitters); PubMed 27907908 (cited by 6 submitters); PubMed 28678401 (cited by Labcorp Genetics (formerly Invitae), Labcorp and Women's Health and Genetics/Laboratory Corporation of America, LabCorp); PubMed 30287823 (cited by 3 submitters); PubMed 30982232 (cited by 3 submitters); PubMed 31825140 (cited by Labcorp Genetics (formerly Invitae), Labcorp and Center for Precision Medicine, Meizhou People's Hospital); PubMed 32846166 (cited by 4 submitters); PubMed 35300142 (cited by 3 submitters); PubMed 35918668 (cited by Labcorp Genetics (formerly Invitae), Labcorp); PubMed 37731132 (cited by Labcorp Genetics (formerly Invitae), Labcorp); PubMed 33471991 (cited by All of Us Research Program, National Institutes of Health and Color Diagnostics, LLC DBA Color Health); PubMed 14973102 (cited by 3 submitters); PubMed 27157322 (cited by Color Diagnostics, LLC DBA Color Health and Women's Health and Genetics/Laboratory Corporation of America, LabCorp); PubMed 29884136 (cited by Color Diagnostics, LLC DBA Color Health and Women's Health and Genetics/Laboratory Corporation of America, LabCorp); PubMed 23704879 (cited by Women's Health and Genetics/Laboratory Corporation of America, LabCorp).